The following is an entry in ClinVar:

ClinVar aggregate classification (germline): Uncertain significance. Review status: criteria provided, multiple submitters, no conflicts (2 of 4 stars). 3 submissions from 3 submitters: Uncertain significance (3). Last evaluated 2025-09-27.

Conditions:
Left ventricular noncompaction 8 (LVNC8). Identifiers: Orphanet 154, Orphanet 54260, MedGen C3809288, MONDO:0014152, OMIM 615373.

Allele frequency attached by ClinVar (database versions not stated): TOPMed 0.00002; gnomAD 0.00004; gnomAD exomes 0.00004 and 0.00005; ExAC 0.00006.
gnomAD v4.1: 73 of 1,614,002 alleles (0.0045%); highest among the groups gnomAD compares: East Asian, 0.0045%; no homozygotes.

Submissions (3):

Labcorp Genetics (formerly Invitae), Labcorp
Classification: Uncertain significance for Left ventricular noncompaction 8. Last evaluated: 2025-09-27. Review status: criteria provided, single submitter. Criteria: Invitae Variant Classification Sherloc (09022015). Collection method: clinical testing. Allele origin: germline.
Comment: This sequence change replaces glycine, which is neutral and non-polar, with serine, which is neutral and polar, at codon 1103 of the PRDM16 protein (p.Gly1103Ser). This variant is present in population databases (rs780612473, gnomAD 0.03%). This missense change has been observed in individual(s) with dilated cardiomyopathy (PMID: 31983221). ClinVar contains an entry for this variant (Variation ID: 1001737). An algorithm developed to predict the effect of missense changes on protein structure and function outputs the following: PolyPhen-2: "Benign". The serine amino acid residue is found in multiple mammalian species, which suggests that this missense change does not adversely affect protein function. In summary, the available evidence is currently insufficient to determine the role of this variant in disease. Therefore, it has been classified as a Variant of Uncertain Significance.

Clinical Genomics Laboratory, Stanford Medicine
Classification: Uncertain significance. Last evaluated: 2023-01-12. Review status: criteria provided, single submitter. Criteria: ACMG Guidelines, 2015. Collection method: clinical testing. Allele origin: germline. Observed: 1 variant allele, 1 heterozygote.
Comment: The p.Gly1103Ser variant in the PRDM16 gene has been previously reported in 1 individual with dilated cardiomyopathy (Mazzarotto et al., 2020). This variant has also been identified in 2/19528 East Asian chromosomes (13/278850 chromosomes overall) by the Genome Aggregation Database. This variant is present in ClinVar (Variation ID: 1001737). Computational tools predict that this variant does not impact protein function; however, the accuracy of in silico algorithms is limited. These data were assessed using the ACMG/AMP variant interpretation guidelines. In summary, the significance of the p.Gly1103Ser variant is uncertain. Additional information is needed to resolve the significance of this variant. [ACMG evidence codes used: PM2; BP4]

GeneDx
Classification: Uncertain significance. Last evaluated: 2021-06-09. Review status: criteria provided, single submitter. Criteria: GeneDx Variant Classification Process June 2021. Collection method: clinical testing. Allele origin: germline. Affected: yes.
Comment: Identified in a patient with DCM in the published literature (Mazzarotto et al., 2020); In silico analysis supports that this missense variant does not alter protein structure/function; Reported in ClinVar as a variant of uncertain significance (ClinVar Variant ID# 1001737; Landrum et al., 2016); This variant is associated with the following publications: (PMID: 27535533, 26582918, 31983221)

Literature cited by the submitters: PubMed 31983221 (cited by Labcorp Genetics (formerly Invitae), Labcorp and Clinical Genomics Laboratory, Stanford Medicine).

NM_022114.4(PRDM16):c.3307G>A (p.Gly1103Ser)

Gene: PRDM16 (PR/SET domain 16; plus strand). Cytogenetic location: 1p36.32.
Variant type: single nucleotide variant.
Coding change: c.3307G>A on transcript NM_022114.4 (MANE Select); coding-DNA position 3307, G replaced by A.
Protein change: p.Gly1103Ser; replaces glycine 1103 with serine.
Molecular consequence: missense variant.
Genome position (GRCh38, 1-based): chr1:3,430,894, G>A. VCF-style: chr1-3430894-G-A. GRCh37 (hg19) VCF-style: chr1-3347458-G-A.
Other names: c.3307G>A, p.Gly1103Ser (NM_199454.3); short protein forms G1103S.
Identifiers: ClinVar variation 1001737 (VCV001001737.10), dbSNP rs780612473, ClinGen allele CA544828.